The following is an entry in ClinVar:

NM_001267550.2(TTN):c.2493G>A (p.Glu831=)

Gene: TTN (titin; minus strand). Cytogenetic location: 2q31.2.
Variant type: single nucleotide variant.
Coding change: c.2493G>A on transcript NM_001267550.2 (MANE Select); coding-DNA position 2493, G replaced by A.
Protein change: p.Glu831=; no amino-acid change (glutamic acid 831 retained).
Molecular consequence: synonymous variant.
Genome position (GRCh38, 1-based): chr2:178,785,620, C>T on the plus strand (G>A on the coding strand, the complement: TTN is on the minus strand). VCF-style: chr2-178785620-C-T. GRCh37 (hg19) VCF-style: chr2-179650347-C-T.
Other names: c.2493G>A, p.Glu831= (NM_001256850.1, NM_133378.4, NM_133379.5); c.2355G>A, p.Glu785= (NM_003319.4, NM_133432.3, NM_133437.4).
Identifiers: ClinVar variation 4793477 (VCV004793477.2).

ClinVar aggregate classification (germline): Uncertain significance. Review status: criteria provided, multiple submitters, no conflicts (2 of 4 stars). 2 submissions from 2 submitters: Uncertain significance (2). Last evaluated 2026-03-11.

Conditions:
Dilated cardiomyopathy 1G (CMD1G). Identifiers: Orphanet 154, MedGen C1858763, MONDO:0011400, OMIM 604145.
Autosomal recessive limb-girdle muscular dystrophy type 2J (LGMDR10). Also called: MUSCULAR DYSTROPHY, LIMB-GIRDLE, AUTOSOMAL RECESSIVE 10; Limb-girdle muscular dystrophy, type 2J. Identifiers: Orphanet 140922, MedGen C1837342, MONDO:0012127, OMIM 608807.

Submissions (2):

GeneDx
Classification: Uncertain significance. Last evaluated: 2026-03-11. Review status: criteria provided, single submitter. Criteria: GeneDx Variant Classification Process June 2021. Collection method: clinical testing. Allele origin: germline.
Comment: Not observed at significant frequency in large population cohorts (gnomAD); In silico analysis supports a deleterious effect on splicing; Has not been previously published as pathogenic or benign to our knowledge

Labcorp Genetics (formerly Invitae), Labcorp
Classification: Uncertain significance for Dilated cardiomyopathy 1G; Autosomal recessive limb-girdle muscular dystrophy type 2J. Last evaluated: 2025-04-10. Review status: criteria provided, single submitter. Criteria: Invitae Variant Classification Sherloc (09022015). Collection method: clinical testing. Allele origin: germline.
Comment: This sequence change affects codon 831 of the TTN mRNA. It is a 'silent' change, meaning that it does not change the encoded amino acid sequence of the TTN protein. This variant also falls at the last nucleotide of exon 15, which is part of the consensus splice site for this exon. This variant is not present in population databases (gnomAD no frequency). This variant has not been reported in the literature in individuals affected with TTN-related conditions. Variants that disrupt the consensus splice site are a relatively common cause of aberrant splicing (PMID: 17576681, 9536098). Algorithms developed to predict the effect of sequence changes on RNA splicing suggest that this variant may disrupt the consensus splice site. This variant is located in the Z band of TTN (PMID: 25589632). Non-truncating variants in this region may be clinically relevant, but have not been definitively shown to cause cardiomyopathy or neuromuscular disease (PMID: 27493940, 32778822). In summary, the available evidence is currently insufficient to determine the role of this variant in disease. Therefore, it has been classified as a Variant of Uncertain Significance.

Literature cited by the submitters: PubMed 17576681 (cited by Labcorp Genetics (formerly Invitae), Labcorp); PubMed 9536098 (cited by Labcorp Genetics (formerly Invitae), Labcorp); PubMed 25589632 (cited by Labcorp Genetics (formerly Invitae), Labcorp); PubMed 27493940 (cited by Labcorp Genetics (formerly Invitae), Labcorp); PubMed 32778822 (cited by Labcorp Genetics (formerly Invitae), Labcorp).